The following is an entry in ClinVar:

NM_002474.3(MYH11):c.2174G>A (p.Arg725His)

Gene: MYH11 (myosin heavy chain 11; minus strand). Cytogenetic location: 16p13.11.
Variant type: single nucleotide variant.
Coding change: c.2174G>A on transcript NM_002474.3 (MANE Select); coding-DNA position 2174, G replaced by A.
Protein change: p.Arg725His; replaces arginine 725 with histidine.
Molecular consequence: missense variant.
Genome position (GRCh38, 1-based): chr16:15,748,053, C>T on the plus strand (G>A on the coding strand, the complement: MYH11 is on the minus strand). VCF-style: chr16-15748053-C-T. GRCh37 (hg19) VCF-style: chr16-15841910-C-T.
Other names: c.2195G>A, p.Arg732His (NM_001040113.2, NM_001040114.2); c.2174G>A, p.Arg725His (NM_022844.3); short protein forms R725H, R732H.
Identifiers: ClinVar variation 1787158 (VCV001787158.4), dbSNP rs2506273309, ClinGen allele CA394867936.

ClinVar aggregate classification (germline): Uncertain significance. Review status: criteria provided, multiple submitters, no conflicts (2 of 4 stars). 2 submissions from 2 submitters: Uncertain significance (2). Last evaluated 2023-05-04.

Conditions:
Familial thoracic aortic aneurysm and aortic dissection (TAAD). Also called: Thoracic aortic aneurysms and dissections. Identifiers: Orphanet 91387, MedGen C4707243, MONDO:0019625.

Allele frequency attached by ClinVar (database versions not stated): gnomAD exomes below 0.00001.
gnomAD v4.1: 1 of 1,614,190 alleles (0.000062%); highest among the groups gnomAD compares: Non-Finnish European, 0.000085%; no homozygotes.

Submissions (2):

Color Diagnostics, LLC DBA Color Health
Classification: Uncertain significance for Familial thoracic aortic aneurysm and aortic dissection. Last evaluated: 2023-05-04. Review status: criteria provided, single submitter. Criteria: ACMG Guidelines, 2015. Collection method: clinical testing. Allele origin: germline.
Comment: This missense variant replaces arginine with histidine at codon 732 of the MYH11 protein. Computational prediction suggests that this variant may have deleterious impact on protein structure and function (internally defined REVEL score threshold >= 0.7, PMID: 27666373). To our knowledge, functional studies have not been reported for this variant. This variant has not been reported in individuals affected with MYH11-related disorders in the literature. This variant has not been identified in the general population by the Genome Aggregation Database (gnomAD). The available evidence is insufficient to determine the role of this variant in disease conclusively. Therefore, this variant is classified as a Variant of Uncertain Significance.

Ambry Genetics
Classification: Uncertain significance for Familial thoracic aortic aneurysm and aortic dissection. Last evaluated: 2021-08-07. Review status: criteria provided, single submitter. Criteria: Ambry Variant Classification Scheme 2023. Collection method: clinical testing. Allele origin: germline.
Comment: The p.R725H variant (also known as c.2174G>A), located in coding exon 16 of the MYH11 gene, results from a G to A substitution at nucleotide position 2174. The arginine at codon 725 is replaced by histidine, an amino acid with highly similar properties. This amino acid position is conserved. In addition, this alteration is predicted to be deleterious by in silico analysis. Since supporting evidence is limited at this time, the clinical significance of this alteration remains unclear.